The following is an entry in ClinVar:

ClinVar aggregate classification (germline): Uncertain significance. Review status: criteria provided, multiple submitters, no conflicts (2 of 4 stars). 2 submissions from 2 submitters: Uncertain significance (2). Last evaluated 2025-03-01.

Conditions:
Hereditary cancer-predisposing syndrome. Also called: Hereditary Cancer Syndrome; Tumor predisposition; Hereditary neoplastic syndrome; Neoplastic Syndromes, Hereditary. Identifiers: Orphanet 140162, MedGen C0027672, MeSH D009386, MONDO:0015356.

Submissions (2):

Ambry Genetics
Classification: Uncertain significance for Hereditary cancer-predisposing syndrome. Last evaluated: 2025-03-01. Review status: criteria provided, single submitter. Criteria: Ambry Variant Classification Scheme 2023. Collection method: clinical testing. Allele origin: germline.
Comment: The p.V400L variant (also known as c.1198G>T), located in coding exon 8 of the RAD50 gene, results from a G to T substitution at nucleotide position 1198. The valine at codon 400 is replaced by leucine, an amino acid with highly similar properties. This amino acid position is conserved. In addition, this alteration is predicted to be tolerated by in silico analysis. Based on the available evidence, the clinical significance of this variant remains unclear.

Labcorp Genetics (formerly Invitae), Labcorp
Classification: Uncertain significance for Hereditary cancer-predisposing syndrome. Last evaluated: 2022-03-06. Review status: criteria provided, single submitter. Criteria: Invitae Variant Classification Sherloc (09022015). Collection method: clinical testing. Allele origin: germline.
Comment: In summary, the available evidence is currently insufficient to determine the role of this variant in disease. Therefore, it has been classified as a Variant of Uncertain Significance. Algorithms developed to predict the effect of missense changes on protein structure and function (SIFT, PolyPhen-2, Align-GVGD) all suggest that this variant is likely to be tolerated. This variant has not been reported in the literature in individuals affected with RAD50-related conditions. This variant is not present in population databases (gnomAD no frequency). This sequence change replaces valine, which is neutral and non-polar, with leucine, which is neutral and non-polar, at codon 400 of the RAD50 protein (p.Val400Leu).

NM_005732.4(RAD50):c.1198G>T (p.Val400Leu)

Gene: RAD50 (RAD50 double strand break repair protein; plus strand). Cytogenetic location: 5q31.1.
Variant type: single nucleotide variant.
Coding change: c.1198G>T on transcript NM_005732.4 (MANE Select); coding-DNA position 1198, G replaced by T.
Protein change: p.Val400Leu; replaces valine 400 with leucine.
Molecular consequence: missense variant.
Genome position (GRCh38, 1-based): chr5:132,588,833, G>T. VCF-style: chr5-132588833-G-T. GRCh37 (hg19) VCF-style: chr5-131924525-G-T.
Other names: c.1198G>T (NM_005732.3); short protein forms V400L.
Identifiers: ClinVar variation 1415883 (VCV001415883.7), dbSNP rs527671333, ClinGen allele CA127243962.